The following is an entry in ClinVar:

NM_004260.4(RECQL4):c.929C>T (p.Pro310Leu)

Gene: RECQL4 (RecQ like helicase 4; minus strand). Cytogenetic location: 8q24.3.
Variant type: single nucleotide variant.
Coding change: c.929C>T on transcript NM_004260.4 (MANE Select); coding-DNA position 929, C replaced by T.
Protein change: p.Pro310Leu; replaces proline 310 with leucine.
Molecular consequence: missense variant.
Genome position (GRCh38, 1-based): chr8:144,516,190, G>A on the plus strand (C>T on the coding strand, the complement: RECQL4 is on the minus strand). VCF-style: chr8-144516190-G-A. GRCh37 (hg19) VCF-style: chr8-145741574-G-A.
Other names: short protein forms P310L.
Identifiers: ClinVar variation 218627 (VCV000218627.20), dbSNP rs368504960, ClinGen allele CA248979.

ClinVar aggregate classification (germline): Uncertain significance. Review status: criteria provided, multiple submitters, no conflicts (2 of 4 stars). 3 submissions from 3 submitters: Uncertain significance (3). Last evaluated 2025-05-30.

Conditions:
Inborn genetic diseases. Identifiers: MedGen C0950123, MeSH D030342.
Baller-Gerold syndrome (BGS). Also called: CRANIOSYNOSTOSIS WITH RADIAL DEFECTS. Identifiers: Orphanet 1225, MedGen C0265308, MONDO:0009039, OMIM 218600.

Submissions (3):

Labcorp Genetics (formerly Invitae), Labcorp
Classification: Uncertain significance for Baller-Gerold syndrome. Last evaluated: 2025-05-30. Review status: criteria provided, single submitter. Criteria: Invitae Variant Classification Sherloc (09022015). Collection method: clinical testing. Allele origin: germline.
Comment: This sequence change replaces proline, which is neutral and non-polar, with leucine, which is neutral and non-polar, at codon 310 of the RECQL4 protein (p.Pro310Leu). This variant is present in population databases (rs368504960, gnomAD 0.005%). This variant has not been reported in the literature in individuals affected with RECQL4-related conditions. ClinVar contains an entry for this variant (Variation ID: 218627). Invitae Evidence Modeling of protein sequence and biophysical properties (such as structural, functional, and spatial information, amino acid conservation, physicochemical variation, residue mobility, and thermodynamic stability) indicates that this missense variant is not expected to disrupt RECQL4 protein function with a negative predictive value of 80%. In summary, the available evidence is currently insufficient to determine the role of this variant in disease. Therefore, it has been classified as a Variant of Uncertain Significance.

Ambry Genetics
Classification: Uncertain significance for Inborn genetic diseases. Last evaluated: 2024-12-19. Review status: criteria provided, single submitter. Criteria: Ambry Variant Classification Scheme 2023. Collection method: clinical testing. Allele origin: germline.
Comment: The p.P310L variant (also known as c.929C>T), located in coding exon 5 of the RECQL4 gene, results from a C to T substitution at nucleotide position 929. The proline at codon 310 is replaced by leucine, an amino acid with similar properties. This amino acid position is conserved. In addition, this alteration is predicted to be tolerated by in silico analysis. Based on the available evidence, the clinical significance of this variant remains unclear.

Genomic Diagnostic Laboratory, Division of Genomic Diagnostics, Children's Hospital of Philadelphia
Classification: Uncertain significance. Last evaluated: 2015-07-22. Review status: criteria provided, single submitter. Criteria: DGD Variant Analysis Guidelines. Collection method: clinical testing. Allele origin: unknown.